The following is an entry in ClinVar:

ClinVar aggregate classification (germline): Likely benign. Review status: criteria provided, multiple submitters, no conflicts (2 of 4 stars). 4 submissions from 4 submitters: Likely benign (4). Last evaluated 2025-03-04.

Conditions:
Hereditary diffuse gastric adenocarcinoma (HDGC). Also called: DIFFUSE GASTRIC AND LOBULAR BREAST CANCER SYNDROME. Identifiers: Orphanet 26106, MedGen C1708349, MONDO:0007648, OMIM 137215.
Hereditary cancer-predisposing syndrome. Also called: Tumor predisposition; Neoplastic Syndromes, Hereditary; Hereditary Cancer Syndrome; Hereditary neoplastic syndrome. Identifiers: Orphanet 140162, MedGen C0027672, MeSH D009386, MONDO:0015356.

Allele frequency attached by ClinVar (database versions not stated): gnomAD exomes below 0.00001; ExAC 0.00001.
gnomAD v4.1: 2 of 1,609,950 alleles (0.00012%); highest among the groups gnomAD compares: Non-Finnish European, 0.00017%; no homozygotes.

Submissions (4):

Center for Genomic Medicine, Rigshospitalet, Copenhagen University Hospital
Classification: Likely benign. Last evaluated: 2025-03-04. Review status: criteria provided, single submitter. Criteria: ACMG Guidelines, 2015. Collection method: clinical testing. Allele origin: germline.

Myriad Genetics, Inc.
Classification: Likely benign for Hereditary diffuse gastric adenocarcinoma. Last evaluated: 2024-09-23. Review status: criteria provided, single submitter. Criteria: Myriad Autosomal Dominant, Autosomal Recessive and X-Linked Classification Criteria (2023). Collection method: clinical testing. Allele origin: unknown.
Comment: This variant is considered likely benign. This variant is intronic and is not expected to impact mRNA splicing.

Labcorp Genetics (formerly Invitae), Labcorp
Classification: Likely benign for Hereditary diffuse gastric adenocarcinoma. Last evaluated: 2024-05-13. Review status: criteria provided, single submitter. Criteria: Invitae Variant Classification Sherloc (09022015). Collection method: clinical testing. Allele origin: germline.

Color Diagnostics, LLC DBA Color Health
Classification: Likely benign for Hereditary cancer-predisposing syndrome. Last evaluated: 2017-09-05. Review status: criteria provided, single submitter. Criteria: ACMG Guidelines, 2015. Collection method: clinical testing. Allele origin: germline.

NM_004360.5(CDH1):c.2440-18T>C

Gene: CDH1 (cadherin 1; plus strand). Cytogenetic location: 16q22.1.
Variant type: single nucleotide variant.
Coding change: c.2440-18T>C on transcript NM_004360.5 (MANE Select); 18 bases into the intron before coding-DNA position 2440, T replaced by C.
Molecular consequence: intron variant.
Genome position (GRCh38, 1-based): chr16:68,833,272, T>C. VCF-style: chr16-68833272-T-C. GRCh37 (hg19) VCF-style: chr16-68867175-T-C.
Other names: c.892-18T>C (NM_001317185.2); c.475-18T>C (NM_001317186.2); c.2257-18T>C (NM_001317184.2).
Identifiers: ClinVar variation 629925 (VCV000629925.12), dbSNP rs773215346, ClinGen allele CA8130291.
Genomic context (GRCh38, chr16:68,833,272, plus strand): 5'-TATTGCTAGACTTCTTGCCCCAGATGACAGGTGTGCCCTTCCTTTCACTAAAAGATGCTT[T>C]TGTCCCTTCTTCTTTAGAATCTGAAAGCGGCTGATACTGACCCCACAGCCCCGCCTTATG-3'